The following is an entry in ClinVar:

ClinVar aggregate classification (germline): Uncertain significance. Review status: criteria provided, multiple submitters, no conflicts (2 of 4 stars). 2 submissions from 2 submitters: Uncertain significance (2). Last evaluated 2022-10-27.

Conditions:
Inborn genetic diseases. Identifiers: MedGen C0950123, MeSH D030342.
Cerebral arteriopathy, autosomal dominant, with subcortical infarcts and leukoencephalopathy, type 1 (CADASIL1). Also called: CADASIL 1; CASIL; Cerebral arteriopathy with subcortical infarcts and leukoencephalopathy 1; DEMENTIA, HEREDITARY MULTIINFARCT TYPE. Identifiers: Orphanet 136, MedGen C4551768, MONDO:0000914, OMIM 125310.
Lateral meningocele syndrome (LMNS). Also called: NOTCH3-Related Lateral Meningocele Syndrome. Identifiers: Orphanet 2789, MedGen C1851710, MONDO:0007537, OMIM 130720.

Allele frequency attached by ClinVar (database versions not stated): gnomAD exomes below 0.00001 and 0.00001; TOPMed 0.00001; ExAC 0.00002.
gnomAD v4.1: 5 of 1,613,948 alleles (0.00031%); highest among the groups gnomAD compares: African/African-American, 0.0013%; no homozygotes.

Submissions (2):

Ambry Genetics
Classification: Uncertain significance for Inborn genetic diseases. Last evaluated: 2022-10-27. Review status: criteria provided, single submitter. Criteria: Ambry Variant Classification Scheme 2023. Collection method: clinical testing. Allele origin: germline.

GeneDx
Classification: Uncertain significance. Last evaluated: 2022-01-14. Review status: criteria provided, single submitter. Criteria: GeneDx Variant Classification Process June 2021. Collection method: clinical testing. Allele origin: germline. Affected: yes.
Comment: In silico analysis supports that this missense variant does not alter protein structure/function; Has not been previously published as pathogenic or benign to our knowledge

NM_000435.3(NOTCH3):c.3463G>T (p.Val1155Leu)

Gene: NOTCH3 (notch receptor 3; minus strand). Cytogenetic location: 19p13.12.
Variant type: single nucleotide variant.
Coding change: c.3463G>T on transcript NM_000435.3 (MANE Select); coding-DNA position 3463, G replaced by T.
Protein change: p.Val1155Leu; replaces valine 1155 with leucine.
Molecular consequence: missense variant.
Genome position (GRCh38, 1-based): chr19:15,179,280, C>A on the plus strand (G>T on the coding strand, the complement: NOTCH3 is on the minus strand). VCF-style: chr19-15179280-C-A. GRCh37 (hg19) VCF-style: chr19-15290091-C-A.
Other names: short protein forms V1155L.
Identifiers: ClinVar variation 1696889 (VCV001696889.6), dbSNP rs762281787, ClinGen allele CA9263071.